The following is an entry in ClinVar:

ClinVar aggregate classification (germline): Uncertain significance (1 of 4 stars; one submission).

Allele frequency attached by ClinVar (database versions not stated): TOPMed below 0.00001; ExAC 0.00001; gnomAD 0.00001.
gnomAD v4.1: 1 of 1,613,840 alleles (0.000062%); highest among the groups gnomAD compares: African/African-American, 0.0013%; no homozygotes.

Submission:

Labcorp Genetics (formerly Invitae), Labcorp
Classification: Uncertain significance. Last evaluated: 2023-03-09. Review status: criteria provided, single submitter. Criteria: Invitae Variant Classification Sherloc (09022015). Collection method: clinical testing. Allele origin: germline.
Comment: This variant has not been reported in the literature in individuals affected with TBX20-related conditions. In summary, the available evidence is currently insufficient to determine the role of this variant in disease. Therefore, it has been classified as a Variant of Uncertain Significance. Algorithms developed to predict the effect of sequence changes on RNA splicing suggest that this variant may disrupt the consensus splice site. This variant is present in population databases (rs746287314, gnomAD 0.007%). This sequence change falls in intron 1 of the TBX20 gene. It does not directly change the encoded amino acid sequence of the TBX20 protein.

NM_001077653.2(TBX20):c.128-13T>A

Gene: TBX20 (T-box transcription factor 20; minus strand). Cytogenetic location: 7p14.2.
Variant type: single nucleotide variant.
Coding change: c.128-13T>A on transcript NM_001077653.2 (MANE Select); 13 bases into the intron before coding-DNA position 128, T replaced by A.
Molecular consequence: intron variant.
Genome position (GRCh38, 1-based): chr7:35,250,216, A>T on the plus strand (T>A on the coding strand, the complement: TBX20 is on the minus strand). VCF-style: chr7-35250216-A-T. GRCh37 (hg19) VCF-style: chr7-35289828-A-T.
Other names: c.128-13T>A (NM_001166220.1).
Identifiers: ClinVar variation 2781437 (VCV002781437.3), dbSNP rs746287314, ClinGen allele CA4217573.
Genomic context (GRCh38, chr7:35,250,216, plus strand): 5'-TCAGCTCACCCAGGGGCTGGGCACAGGACGACTTCTCCACAAATTGCTCTGGAGGTAAAG[A>T]GAATTGTGAATGACAGCTGACACTGTTCAACAAGGAAAGATCTGGAAAGAACAGCATAAC-3'